The following is an entry in ClinVar:

ClinVar aggregate classification (germline): Uncertain significance (1 of 4 stars; one submission).

gnomAD v4.1: 1 of 1,614,014 alleles (0.000062%); no homozygotes.

Submission:

Labcorp Genetics (formerly Invitae), Labcorp
Classification: Uncertain significance. Last evaluated: 2023-10-29. Review status: criteria provided, single submitter. Criteria: Invitae Variant Classification Sherloc (09022015). Collection method: clinical testing. Allele origin: germline.
Comment: This sequence change replaces cysteine, which is neutral and slightly polar, with phenylalanine, which is neutral and non-polar, at codon 385 of the TNNI3K protein (p.Cys385Phe). This variant is not present in population databases (gnomAD no frequency). This variant has not been reported in the literature in individuals affected with TNNI3K-related conditions. ClinVar contains an entry for this variant (Variation ID: 1994259). Advanced modeling of protein sequence and biophysical properties (such as structural, functional, and spatial information, amino acid conservation, physicochemical variation, residue mobility, and thermodynamic stability) performed at Invitae indicates that this missense variant is not expected to disrupt TNNI3K protein function with a negative predictive value of 80%. In summary, the available evidence is currently insufficient to determine the role of this variant in disease. Therefore, it has been classified as a Variant of Uncertain Significance.

NM_015978.3(TNNI3K):c.1154G>T (p.Cys385Phe)

Genes: FPGT-TNNI3K (FPGT-TNNI3K readthrough; plus strand), TNNI3K (TNNI3 interacting kinase; plus strand). Cytogenetic location: 1p31.1.
Variant type: single nucleotide variant.
Coding change: c.1154G>T on transcript NM_015978.3 (MANE Select); coding-DNA position 1154, G replaced by T.
Protein change: p.Cys385Phe; replaces cysteine 385 with phenylalanine.
Molecular consequence: missense variant.
Genome position (GRCh38, 1-based): chr1:74,354,106, G>T. VCF-style: chr1-74354106-G-T. GRCh37 (hg19) VCF-style: chr1-74819790-G-T.
Other names: c.1457G>T, p.Cys486Phe (NM_001112808.3, NM_001199327.2); short protein forms C486F, C385F.
Identifiers: ClinVar variation 1994259 (VCV001994259.4), dbSNP rs2524412983, ClinGen allele CA340784539.